The following is an entry in ClinVar:

NM_007194.4(CHEK2):c.1375+2_1375+3insTTCA

Gene: CHEK2 (checkpoint kinase 2; minus strand). Cytogenetic location: 22q12.1.
Variant type: Insertion.
Coding change: c.1375+2_1375+3insTTCA on transcript NM_007194.4 (MANE Select); the canonical splice donor site of the intron after coding-DNA position 1375 through 3 bases into the intron after coding-DNA position 1375, TTCA inserted.
Molecular consequence: splice donor variant.
Genome position: GRCh38 VCF-style: chr22-28695124-T-TATGA. GRCh37 (hg19) VCF-style: chr22-29091112-T-TATGA.
Other names: c.712+2_712+3insTTCA (NM_001437942.1, NM_001257387.3); c.1174+2_1174+3insTTCA (NM_001349956.3); c.1288+2_1288+3insTTCA (NM_145862.3); c.1381+2_1381+3insTTCA (NM_001438295.1); c.1468+2_1468+3insTTCA (NM_001438293.1); c.1417+2_1417+3insTTCA (NM_001438294.1); c.1504+2_1504+3insTTCA (NM_001005735.3).
Identifiers: ClinVar variation 2745066 (VCV002745066.3), dbSNP rs2517794635, ClinGen allele CA2697552634.

ClinVar aggregate classification (germline): Uncertain significance (1 of 4 stars; one submission).

Conditions:
Familial cancer of breast. Also called: hereditary breast carcinoma; Hereditary breast cancer; BREAST CANCER, FAMILIAL. Identifiers: Orphanet 227535, MedGen C0346153, MONDO:0016419, OMIM 114480. Disease mechanism: loss of function.

Submission:

Labcorp Genetics (formerly Invitae), Labcorp
Classification: Uncertain significance for Familial cancer of breast. Last evaluated: 2025-06-09. Review status: criteria provided, single submitter. Criteria: Invitae Variant Classification Sherloc (09022015). Collection method: clinical testing. Allele origin: germline.
Comment: This sequence change falls in intron 12 of the CHEK2 gene. It does not directly change the encoded amino acid sequence of the CHEK2 protein. It affects a nucleotide within the consensus splice site. This variant is not present in population databases (gnomAD no frequency). This variant has not been reported in the literature in individuals affected with CHEK2-related conditions. ClinVar contains an entry for this variant (Variation ID: 2745066). Variants that disrupt the consensus splice site are a relatively common cause of aberrant splicing (PMID: 17576681, 9536098). Algorithms developed to predict the effect of sequence changes on RNA splicing suggest that this variant may disrupt the consensus splice site. In summary, the available evidence is currently insufficient to determine the role of this variant in disease. Therefore, it has been classified as a Variant of Uncertain Significance.

Literature cited by the submitters: PubMed 17576681; PubMed 9536098.